The following is an entry in ClinVar:

ClinVar aggregate classification (germline): Conflicting classifications of pathogenicity. Review status: criteria provided, conflicting classifications (1 of 4 stars). 2 submissions from 2 submitters: Uncertain significance (1); Benign (1). Last evaluated 2024-07-30.

Conditions:
Hereditary cancer-predisposing syndrome. Also called: Tumor predisposition; Hereditary Cancer Syndrome; Hereditary neoplastic syndrome; Neoplastic Syndromes, Hereditary. Identifiers: Orphanet 140162, MedGen C0027672, MeSH D009386, MONDO:0015356.
Renal cell carcinoma. Identifiers: Orphanet 217071, MedGen C0007134, MeSH D002292, MONDO:0005086, HP:0005584.

Allele frequency attached by ClinVar (database versions not stated): ExAC 0.00002; gnomAD exomes 0.00002.
gnomAD v4.1: 9 of 1,614,102 alleles (0.00056%); highest among the groups gnomAD compares: East Asian, 0.02%; no homozygotes.

Submissions (2):

Labcorp Genetics (formerly Invitae), Labcorp
Classification: Uncertain significance for Renal cell carcinoma. Last evaluated: 2024-07-30. Review status: criteria provided, single submitter. Criteria: Invitae Variant Classification Sherloc (09022015). Collection method: clinical testing. Allele origin: germline.
Comment: This sequence change replaces isoleucine, which is neutral and non-polar, with methionine, which is neutral and non-polar, at codon 284 of the MET protein (p.Ile284Met). This variant is present in population databases (rs759227622, gnomAD 0.03%). This variant has not been reported in the literature in individuals affected with MET-related conditions. ClinVar contains an entry for this variant (Variation ID: 411873). Advanced modeling of protein sequence and biophysical properties (such as structural, functional, and spatial information, amino acid conservation, physicochemical variation, residue mobility, and thermodynamic stability) performed at Invitae indicates that this missense variant is not expected to disrupt MET protein function with a negative predictive value of 80%. In summary, the available evidence is currently insufficient to determine the role of this variant in disease. Therefore, it has been classified as a Variant of Uncertain Significance.

Ambry Genetics
Classification: Benign for Hereditary cancer-predisposing syndrome. Last evaluated: 2024-07-17. Review status: criteria provided, single submitter. Criteria: Ambry Variant Classification Scheme 2023. Collection method: clinical testing. Allele origin: germline.

NM_000245.4(MET):c.852A>G (p.Ile284Met)

Gene: MET (MET proto-oncogene, receptor tyrosine kinase; plus strand). Cytogenetic location: 7q31.2.
Variant type: single nucleotide variant.
Coding change: c.852A>G on transcript NM_000245.4 (MANE Select); coding-DNA position 852, A replaced by G.
Protein change: p.Ile284Met; replaces isoleucine 284 with methionine.
Molecular consequence: missense variant. On other transcripts: intron variant (1).
Genome position (GRCh38, 1-based): chr7:116,699,936, A>G. VCF-style: chr7-116699936-A-G. GRCh37 (hg19) VCF-style: chr7-116339990-A-G.
Other names: c.852A>G, p.Ile284Met (NM_001127500.3, NM_001324401.3); c.-91+27359A>G (NM_001324402.2); short protein forms I284M.
Identifiers: ClinVar variation 411873 (VCV000411873.50), dbSNP rs759227622, ClinGen allele CA4448041.
Genomic context (GRCh38, chr7:116,699,936, plus strand): 5'-CCAAAGGGAAACTCTAGATGCTCAGACTTTTCACACAAGAATAATCAGGTTCTGTTCCAT[A>G]AACTCTGGATTGCATTCCTACATGGAAATGCCTCTGGAGTGTATTCTCACAGAAAAGAGA-3'
Protein context (NP_000236.2, residues 274-294): FHTRIIRFCS[Ile284Met]NSGLHSYMEM